The following is an entry in ClinVar:

ClinVar aggregate classification (germline): Uncertain significance (1 of 4 stars; one submission).

Allele frequency attached by ClinVar (database versions not stated): gnomAD exomes below 0.00001; ExAC 0.00001.
gnomAD v4.1: 2 of 1,614,014 alleles (0.00012%); highest among the groups gnomAD compares: South Asian, 0.0022%; no homozygotes.

Submission:

Labcorp Genetics (formerly Invitae), Labcorp
Classification: Uncertain significance. Last evaluated: 2024-06-18. Review status: criteria provided, single submitter. Criteria: Invitae Variant Classification Sherloc (09022015). Collection method: clinical testing. Allele origin: germline.
Comment: This sequence change replaces leucine, which is neutral and non-polar, with histidine, which is basic and polar, at codon 573 of the PROM1 protein (p.Leu573His). This variant is present in population databases (rs748466005, gnomAD 0.003%). This variant has not been reported in the literature in individuals affected with PROM1-related conditions. ClinVar contains an entry for this variant (Variation ID: 1016136). Advanced modeling of protein sequence and biophysical properties (such as structural, functional, and spatial information, amino acid conservation, physicochemical variation, residue mobility, and thermodynamic stability) performed at Invitae indicates that this missense variant is expected to disrupt PROM1 protein function with a positive predictive value of 80%. In summary, the available evidence is currently insufficient to determine the role of this variant in disease. Therefore, it has been classified as a Variant of Uncertain Significance.

NM_006017.3(PROM1):c.1718T>A (p.Leu573His)

Gene: PROM1 (prominin 1; minus strand). Cytogenetic location: 4p15.32.
Variant type: single nucleotide variant.
Coding change: c.1718T>A on transcript NM_006017.3 (MANE Select); coding-DNA position 1718, T replaced by A.
Protein change: p.Leu573His; replaces leucine 573 with histidine.
Molecular consequence: missense variant.
Genome position (GRCh38, 1-based): chr4:15,994,036, A>T on the plus strand (T>A on the coding strand, the complement: PROM1 is on the minus strand). VCF-style: chr4-15994036-A-T. GRCh37 (hg19) VCF-style: chr4-15995659-A-T.
Other names: c.1691T>A, p.Leu564His (NM_001145847.2, NM_001145848.2, NM_001145851.2 and 4 more transcripts); c.1718T>A, p.Leu573His (NM_001145849.2, NM_001145850.2); short protein forms L564H, L573H.
Identifiers: ClinVar variation 1016136 (VCV001016136.8), dbSNP rs748466005, ClinGen allele CA2866661.